The following is an entry in ClinVar:

ClinVar aggregate classification (germline): Uncertain significance (1 of 4 stars; one submission).

Conditions:
Inborn genetic diseases. Identifiers: MedGen C0950123, MeSH D030342.

Submission:

Ambry Genetics
Classification: Uncertain significance for Inborn genetic diseases. Last evaluated: 2026-08-31. Review status: criteria provided, single submitter. Criteria: Ambry Variant Classification Scheme 2023. Collection method: clinical testing. Allele origin: germline.
Comment: The p.S651R variant (also known as c.1953C>A), located in coding exon 18 of the ANKRD26 gene, results from a C to A substitution at nucleotide position 1953. The serine at codon 651 is replaced by arginine, an amino acid with dissimilar properties. This amino acid position is conserved. In addition, this alteration is predicted to be tolerated by in silico analysis. Based on the available evidence, the clinical significance of this variant remains unclear.

NM_014915.3(ANKRD26):c.1953C>A (p.Ser651Arg)

Gene: ANKRD26 (ankyrin repeat domain 26; minus strand). Cytogenetic location: 10p12.1.
Variant type: single nucleotide variant.
Coding change: c.1953C>A on transcript NM_014915.3 (MANE Select); coding-DNA position 1953, C replaced by A.
Protein change: p.Ser651Arg; replaces serine 651 with arginine.
Molecular consequence: missense variant.
Genome position (GRCh38, 1-based): chr10:27,046,385, G>T on the plus strand (C>A on the coding strand, the complement: ANKRD26 is on the minus strand). VCF-style: chr10-27046385-G-T. GRCh37 (hg19) VCF-style: chr10-27335314-G-T.
Other names: c.1950C>A, p.Ser650Arg (NM_001256053.2); short protein forms S650R, S651R.
Identifiers: ClinVar variation 5023741 (VCV005023741.1).